The following is an entry in ClinVar:

NM_194454.3(KRIT1):c.2142+1G>C

Gene: KRIT1 (KRIT1 ankyrin repeat containing; minus strand). Cytogenetic location: 7q21.2.
Variant type: single nucleotide variant.
Coding change: c.2142+1G>C on transcript NM_194454.3 (MANE Select); the canonical splice donor site of the intron after coding-DNA position 2142, G replaced by C.
Molecular consequence: splice donor variant.
Genome position (GRCh38, 1-based): chr7:92,201,306, C>G on the plus strand (G>C on the coding strand, the complement: KRIT1 is on the minus strand). VCF-style: chr7-92201306-C-G. GRCh37 (hg19) VCF-style: chr7-91830620-C-G.
Other names: c.2142+1G>C (NM_001350672.1, NM_001350676.1, NM_001350673.1 and 26 more transcripts); c.1998+1G>C (NM_001350669.1, NM_001013406.2, NM_001350670.1); c.1428+1G>C (NM_001350671.1).
Identifiers: ClinVar variation 846706 (VCV000846706.8), dbSNP rs1790081665, ClinGen allele CA368166348.

ClinVar aggregate classification (germline): Pathogenic (1 of 4 stars; one submission).

Conditions:
Cerebral cavernous malformation (CCM). Also called: Cerebral cavernous hemangioma (type); Cerebral cavernous malformations; CAVERNOUS ANGIOMA, FAMILIAL; CAVERNOUS ANGIOMATOUS MALFORMATIONS; CEREBRAL CAPILLARY MALFORMATIONS; Cavernous Hemangioma of Brain. Identifiers: Orphanet 221061, MedGen C2919945, MONDO:0000820, OMIM 116860, HP:0033522.

Submission:

Labcorp Genetics (formerly Invitae), Labcorp
Classification: Pathogenic for Cerebral cavernous malformation. Last evaluated: 2025-01-15. Review status: criteria provided, single submitter. Criteria: Invitae Variant Classification Sherloc (09022015). Collection method: clinical testing. Allele origin: germline.
Comment: This sequence change affects a donor splice site in intron 19 of the KRIT1 gene. While this variant is not anticipated to result in nonsense mediated decay, it likely alters RNA splicing and results in a disrupted protein product. This variant is not present in population databases (gnomAD no frequency). Disruption of this splice site has been observed in individuals with cerebral cavernous malformations (PMID: 23595507). ClinVar contains an entry for this variant (Variation ID: 846706). Variants that disrupt the consensus splice site are a relatively common cause of aberrant splicing (PMID: 17576681, 9536098). Algorithms developed to predict the effect of sequence changes on RNA splicing suggest that this variant may disrupt the consensus splice site. This variant disrupts a region of the KRIT1 protein in which other variant(s) (p.Leu722*) have been observed in individuals with KRIT1-related conditions (internal data). This suggests that this is a clinically significant region of the protein, and that variants that disrupt it are likely to be disease-causing. For these reasons, this variant has been classified as Pathogenic.

Literature cited by the submitters: PubMed 23595507; PubMed 17576681; PubMed 9536098.